The following is an entry in ClinVar:

NM_030962.4(SBF2):c.3334A>G (p.Lys1112Glu)

Genes: SBF2 (SET binding factor 2; minus strand), LOC101928008 (uncharacterized LOC101928008; plus strand). Cytogenetic location: 11p15.4.
Variant type: single nucleotide variant.
Coding change: c.3334A>G on transcript NM_030962.4 (MANE Select); coding-DNA position 3334, A replaced by G.
Protein change: p.Lys1112Glu; replaces lysine 1112 with glutamic acid.
Molecular consequence: missense variant.
Genome position (GRCh38, 1-based): chr11:9,839,619, T>C on the plus strand (A>G on the coding strand, the complement: SBF2 is on the minus strand). VCF-style: chr11-9839619-T-C. GRCh37 (hg19) VCF-style: chr11-9861166-T-C.
Other names: c.3334A>G, p.Lys1112Glu (NM_001386339.1); c.3205A>G, p.Lys1069Glu (NM_001386342.1); short protein forms K1069E, K1112E.
Identifiers: ClinVar variation 1730336 (VCV001730336.2), dbSNP rs368513003, ClinGen allele CA5881304.

ClinVar aggregate classification (germline): Uncertain significance (1 of 4 stars; one submission).

Conditions:
Inborn genetic diseases. Identifiers: MedGen C0950123, MeSH D030342.

Allele frequency attached by ClinVar (database versions not stated): ExAC 0.00001; ESP Exome Variant Server 0.00008.

Submission:

Ambry Genetics
Classification: Uncertain significance for Inborn genetic diseases. Last evaluated: 2020-03-21. Review status: criteria provided, single submitter. Criteria: Ambry Variant Classification Scheme 2023. Collection method: clinical testing. Allele origin: germline.
Comment: The p.K1112E variant (also known as c.3334A>G), located in coding exon 26 of the SBF2 gene, results from an A to G substitution at nucleotide position 3334. The lysine at codon 1112 is replaced by glutamic acid, an amino acid with similar properties. This amino acid position is not well conserved in available vertebrate species. In addition, this alteration is predicted to be tolerated by in silico analysis. Since supporting evidence is limited at this time, the clinical significance of this alteration remains unclear.